The following is an entry in ClinVar:

ClinVar aggregate classification (germline): Conflicting classifications of pathogenicity. Review status: criteria provided, conflicting classifications (1 of 4 stars). 2 submissions from 2 submitters: Uncertain significance (1); Likely benign (1). Last evaluated 2025-08-07.

Conditions:
Inborn genetic diseases. Identifiers: MedGen C0950123, MeSH D030342.

Allele frequency attached by ClinVar (database versions not stated): ExAC 0.00005; ESP Exome Variant Server 0.00008.
gnomAD v4.1: 197 of 1,550,434 alleles (0.013%); highest among the groups gnomAD compares: Admixed American, 0.022%; no homozygotes.

Submissions (2):

Ambry Genetics
Classification: Uncertain significance for Inborn genetic diseases. Last evaluated: 2025-08-07. Review status: criteria provided, single submitter. Criteria: Ambry Variant Classification Scheme 2023. Collection method: clinical testing. Allele origin: germline.

CeGaT Center for Human Genetics Tuebingen
Classification: Likely benign. Last evaluated: 2023-04-01. Review status: criteria provided, single submitter. Criteria: CeGaT Center For Human Genetics Tuebingen Variant Classification Criteria Version 2. Collection method: clinical testing. Allele origin: germline. Affected: yes. Observed: 1 variant allele.
Comment: KDM4B: BP4

NM_015015.3(KDM4B):c.1196C>A (p.Ala399Glu)

Gene: KDM4B (lysine demethylase 4B; plus strand). Cytogenetic location: 19p13.3.
Variant type: single nucleotide variant.
Coding change: c.1196C>A on transcript NM_015015.3 (MANE Select); coding-DNA position 1196, C replaced by A.
Protein change: p.Ala399Glu; replaces alanine 399 with glutamic acid.
Molecular consequence: missense variant.
Genome position (GRCh38, 1-based): chr19:5,119,733, C>A. VCF-style: chr19-5119733-C-A. GRCh37 (hg19) VCF-style: chr19-5119744-C-A.
Other names: c.1298C>A, p.Ala433Glu (NM_001411148.1); short protein forms A399E, A433E.
Identifiers: ClinVar variation 2365378 (VCV002365378.27), dbSNP rs368897143, ClinGen allele CA9107768.